The following is an entry in ClinVar:

ClinVar aggregate classification (germline): Uncertain significance (1 of 4 stars; one submission).

Conditions:
PIEZO1-related disorder. Also called: PIEZO1-related condition; PIEZO1-Related Disorders.

gnomAD v4.1: 5 of 1,550,518 alleles (0.00032%); highest among the groups gnomAD compares: African/African-American, 0.0068%; no homozygotes.

Submission:

PreventionGenetics, part of Exact Sciences
Classification: Uncertain significance for PIEZO1-related condition. Last evaluated: 2025-06-12. Review status: criteria provided, single submitter. Criteria: ACMG Guidelines, 2015. Collection method: clinical testing. Allele origin: germline.
Comment: The PIEZO1 c.6637A>G variant is predicted to result in the amino acid substitution p.Thr2213Ala. To our knowledge, this variant has not been reported in the literature. This variant is reported in 0.013% of alleles in individuals of African descent in gnomAD. At this time, the clinical significance of this variant is uncertain due to the absence of conclusive functional and genetic evidence.

NM_001142864.4(PIEZO1):c.6637A>G (p.Thr2213Ala)

Gene: PIEZO1 (piezo type mechanosensitive ion channel component 1 (Er blood group); minus strand). Cytogenetic location: 16q24.3.
Variant type: single nucleotide variant.
Coding change: c.6637A>G on transcript NM_001142864.4 (MANE Select); coding-DNA position 6637, A replaced by G.
Protein change: p.Thr2213Ala; replaces threonine 2213 with alanine.
Molecular consequence: missense variant.
Genome position (GRCh38, 1-based): chr16:88,717,046, T>C on the plus strand (A>G on the coding strand, the complement: PIEZO1 is on the minus strand). VCF-style: chr16-88717046-T-C. GRCh37 (hg19) VCF-style: chr16-88783454-T-C.
Other names: short protein forms T2213A.
Identifiers: ClinVar variation 4986447 (VCV004986447.1).
Genomic context (GRCh38, chr16:88,717,046, plus strand): 5'-GGGATGGGAATGGACAGGCGGACCCACACATGCTCACCTCATAGCCGCCCAGCTTCAGGG[T>C]GACGGTGACATCGATGGGCTGGTTGACAACCCCAACCACGGAGCGCACCAGCGACATGAA-3'
Protein context (NP_001136336.2, residues 2203-2223): VVNQPIDVTV[Thr2213Ala]LKLGGYEPLF